The following is an entry in ClinVar:

NM_172107.4(KCNQ2):c.2266G>A (p.Gly756Ser)

Gene: KCNQ2 (potassium voltage-gated channel subfamily Q member 2; minus strand). Cytogenetic location: 20q13.33.
Variant type: single nucleotide variant.
Coding change: c.2266G>A on transcript NM_172107.4 (MANE Select); coding-DNA position 2266, G replaced by A.
Protein change: p.Gly756Ser; replaces glycine 756 with serine.
Molecular consequence: missense variant.
Genome position (GRCh38, 1-based): chr20:63,406,997, C>T on the plus strand (G>A on the coding strand, the complement: KCNQ2 is on the minus strand). VCF-style: chr20-63406997-C-T. GRCh37 (hg19) VCF-style: chr20-62038350-C-T.
Other names: p.G756S:GGC>AGC; c.2320G>A, p.Gly774Ser (NM_001382235.1); c.2209G>A, p.Gly737Ser (NM_001439003.1); c.2179G>A, p.Gly727Ser (NM_001439004.1); c.2182G>A, p.Gly728Ser (NM_004518.6); c.2266G>A (NM_172107.3); c.2212G>A, p.Gly738Ser (NM_172106.3); c.2173G>A, p.Gly725Ser (NM_172108.5); short protein forms G756S, G725S, G728S, G738S, G774S, G727S, G737S.
Identifiers: ClinVar variation 205849 (VCV000205849.42), dbSNP rs200909197, ClinGen allele CA315315.

ClinVar aggregate classification (germline): Benign/Likely benign. Review status: criteria provided, multiple submitters, no conflicts (2 of 4 stars). 6 submissions from 6 submitters: Benign (1); Likely benign (4). 1 of the submissions does not count toward it. Last evaluated 2026-01-17.

Conditions:
Early-infantile DEE. Also called: Early infantile epileptic encephalopathy; Ohtahara syndrome; Early infantile epileptic encephalopathy with suppression bursts. Identifiers: Orphanet 1934, MedGen C0393706, MONDO:0800491.
Inborn genetic diseases. Identifiers: MedGen C0950123, MeSH D030342.
KCNQ2-Related Disorders. Also called: KCNQ2-related condition; KCNQ2-related disorder. Identifiers: MedGen CN169299.

Allele frequency attached by ClinVar (database versions not stated): gnomAD exomes 0.00026 and 0.00064; gnomAD 0.00034; TOPMed 0.00032; ESP Exome Variant Server 0.00037; ExAC 0.00054.
gnomAD v4.1: 933 of 1,539,682 alleles (0.061%); highest among the groups gnomAD compares: Non-Finnish European, 0.077%; no homozygotes.

Submissions (7):

Labcorp Genetics (formerly Invitae), Labcorp
Classification: Likely benign for Early-infantile DEE. Last evaluated: 2026-01-17. Review status: criteria provided, single submitter. Criteria: Invitae Variant Classification Sherloc (09022015). Collection method: clinical testing. Allele origin: germline.

CeGaT Center for Human Genetics Tuebingen
Classification: Likely benign. Last evaluated: 2025-06-01. Review status: criteria provided, single submitter. Criteria: CeGaT Center For Human Genetics Tuebingen Variant Classification Criteria Version 2. Collection method: clinical testing. Allele origin: germline. Affected: yes. Observed: 3 variant alleles.
Comment: KCNQ2: PP2, BS2

Blueprint Genetics
Classification: Likely benign. Last evaluated: 2024-09-11. Review status: criteria provided, single submitter. Criteria: ACMG Guidelines, 2015. Collection method: clinical testing. Allele origin: germline.

Ambry Genetics
Classification: Likely benign for Inborn genetic diseases. Last evaluated: 2022-12-21. Review status: criteria provided, single submitter. Criteria: Ambry Variant Classification Scheme 2023. Collection method: clinical testing. Allele origin: germline.

GeneDx
Classification: Benign. Last evaluated: 2020-08-27. Review status: criteria provided, single submitter. Criteria: GeneDx Variant Classification Process June 2021. Collection method: clinical testing. Allele origin: germline. Affected: yes.

PreventionGenetics, part of Exact Sciences
Classification: Likely benign for KCNQ2-related condition. Last evaluated: 2023-08-24. Review status: no assertion criteria provided. Collection method: clinical testing. Allele origin: germline. Not counted in ClinVar's aggregate classification.
Comment: This variant is classified as likely benign based on ACMG/AMP sequence variant interpretation guidelines (Richards et al. 2015 PMID: 25741868, with internal and published modifications).

Channelopathy-Associated Epilepsy Research Center
No classification provided (evidence only). Condition: Complex neurodevelopmental disorder. Review status: no classification provided. Collection method: literature only. Allele origin: not applicable. Functional consequence: Normal peak current, Mild slowing of activation, Normal voltage dependence of activation. Not counted in ClinVar's aggregate classification.
ClinVar note: "not provided" was previously submitted as the classification for the variant. However, the classification appeared to be based only on an observation of functional data so it was converted to no classification on 2025-07-30.

Literature cited by the submitters: PubMed 35104249 (cited by Channelopathy-Associated Epilepsy Research Center).